The following is an entry in ClinVar:

NM_002180.3(IGHMBP2):c.1281T>C (p.Ala427=)

Gene: IGHMBP2 (immunoglobulin mu DNA binding protein 2; plus strand). Cytogenetic location: 11q13.3.
Variant type: single nucleotide variant.
Coding change: c.1281T>C on transcript NM_002180.3 (MANE Select); coding-DNA position 1281, T replaced by C.
Protein change: p.Ala427=; no amino-acid change (alanine 427 retained).
Molecular consequence: synonymous variant.
Genome position (GRCh38, 1-based): chr11:68,933,344, T>C. VCF-style: chr11-68933344-T-C. GRCh37 (hg19) VCF-style: chr11-68700812-T-C.
Identifiers: ClinVar variation 2642046 (VCV002642046.24), dbSNP rs2496052883, ClinGen allele CA475199316.

ClinVar aggregate classification (germline): Likely benign (1 of 4 stars; one submission).

Submission:

CeGaT Center for Human Genetics Tuebingen
Classification: Likely benign. Last evaluated: 2022-09-01. Review status: criteria provided, single submitter. Criteria: CeGaT Center For Human Genetics Tuebingen Variant Classification Criteria Version 2. Collection method: clinical testing. Allele origin: germline. Affected: yes. Observed: 1 variant allele.
Comment: IGHMBP2: PM2:Supporting, BP4, BP7